The following is an entry in ClinVar:

ClinVar aggregate classification (germline): Uncertain significance. Review status: reviewed by expert panel (3 of 4 stars). 2 submissions from 2 submitters: Uncertain significance (1). 1 of the submissions does not count toward it. Last evaluated 2023-03-16.

Conditions:
Phenylketonuria (PKU). Also called: FOLLING DISEASE; Phenylketonurias; Phenylketonuria (PKU); OLIGOPHRENIA PHENYLPYRUVICA. Identifiers: Orphanet 716, MedGen C0031485, MONDO:0009861, OMIM 261600. Disease mechanism: loss of function.

Allele frequency attached by ClinVar (database versions not stated): TOPMed 0.00001.

Submissions (2):

ClinGen PAH Variant Curation Expert Panel
Classification: Uncertain significance for Phenylketonuria. Last evaluated: 2023-03-16. Review status: reviewed by expert panel. Criteria: ClinGen PAH ACMG Specifications v1. Collection method: curation. Allele origin: germline. Inheritance: Autosomal recessive inheritance.
Comment: The c.229T>C (p.Tyr77His) variant in PAH is a missense variant predicted to cause substitution of tyrosine by histidine at amino acid 77. It has been detected in 1 patient with mild PKU with second variant not reported (PMID: 27469133). This variant is absent in population databases. Multiple lines of computational evidence support a deleterious effect. In summary, this variant is classified as uncertain significance due to insufficient evidence for PAH deficiency based on the ACMG/AMP criteria applied, as specified by the ClinGen PAH VCEP: PM2, PP3, PP4.

Labcorp Genetics (formerly Invitae), Labcorp
Classification: Uncertain significance for Phenylketonuria. Last evaluated: 2024-01-14. Review status: criteria provided, single submitter. Criteria: Invitae Variant Classification Sherloc (09022015). Collection method: clinical testing. Allele origin: germline. Not counted in ClinVar's aggregate classification.
Comment: This sequence change replaces tyrosine, which is neutral and polar, with histidine, which is basic and polar, at codon 77 of the PAH protein (p.Tyr77His). This variant is not present in population databases (gnomAD no frequency). This missense change has been observed in individual(s) with clinical features of hyperphenylalaninemia (PMID: 27469133; Invitae). ClinVar contains an entry for this variant (Variation ID: 2573214). Advanced modeling of protein sequence and biophysical properties (such as structural, functional, and spatial information, amino acid conservation, physicochemical variation, residue mobility, and thermodynamic stability) performed at Invitae indicates that this missense variant is not expected to disrupt PAH protein function with a negative predictive value of 80%. In summary, the available evidence is currently insufficient to determine the role of this variant in disease. Therefore, it has been classified as a Variant of Uncertain Significance.

Literature cited by the submitters: PubMed 27469133 (cited by Labcorp Genetics (formerly Invitae), Labcorp).

NM_000277.3(PAH):c.229T>C (p.Tyr77His)

Gene: PAH (phenylalanine hydroxylase; minus strand). Cytogenetic location: 12q23.2.
Variant type: single nucleotide variant.
Coding change: c.229T>C on transcript NM_000277.3 (MANE Select); coding-DNA position 229, T replaced by C.
Protein change: p.Tyr77His; replaces tyrosine 77 with histidine.
Molecular consequence: missense variant.
Genome position (GRCh38, 1-based): chr12:102,894,858, A>G on the plus strand (T>C on the coding strand, the complement: PAH is on the minus strand). VCF-style: chr12-102894858-A-G. GRCh37 (hg19) VCF-style: chr12-103288636-A-G.
Other names: NM_001354304.2:c.229T>C; c.229T>C, p.Tyr77His (NM_001354304.2); short protein forms Y77H.
Identifiers: ClinVar variation 2573214 (VCV002573214.3), dbSNP rs1877431851, ClinGen allele CA386304171.
Genomic context (GRCh38, chr12:102,894,858, plus strand): 5'-TCTTGATGATGTTTGTCAGAGCAGGCAGGCTACGTTTATCCAAATGGGTGAAAAATTCAT[A>G]CTCATCTTTCTTTAAACGAGAAGGTCTAGATTCAATGTGGGTCAGGTTTACATCATTCTC-3'
Protein context (NP_000268.1, residues 67-87): SRPSRLKKDE[Tyr77His]EFFTHLDKRS